The following is an entry in ClinVar:

ClinVar aggregate classification (germline): Pathogenic (1 of 4 stars; one submission).

Conditions:
Menkes kinky-hair syndrome (MNK). Also called: Copper transport disease; Classic Menkes Disease; Menkes Disease. Identifiers: Orphanet 565, MedGen C0022716, MONDO:0010651, OMIM 309400.

Submission:

Victorian Clinical Genetics Services, Murdoch Childrens Research Institute
Classification: Pathogenic for Menkes kinky-hair syndrome. Last evaluated: 2018-09-23. Review status: criteria provided, single submitter. Criteria: ACMG Guidelines, 2015. Collection method: clinical testing. Allele origin: unknown. Affected: yes. Observed: 1 variant allele.
Comment: This microdeletion involves exons 3 to 23 of the ATP7A gene (NM_000052.6). Hemizygous mutations and deletions of ATP7A leading to loss of function of this gene are associated with X linked recessive Menkes disease (Gene Reviews, PMID:20301586, OMIM# 300011).

GRCh37/hg19 Xq21.1(chrX:77238734-77312616)

Gene: ATP7A (ATPase copper transporting alpha; plus strand). Cytogenetic location: Xq21.1.
Variant type: copy number loss.
Identifiers: ClinVar variation 870392 (VCV000870392.2).